The following is an entry in ClinVar:

NM_004104.5(FASN):c.4675C>G (p.Pro1559Ala)

Gene: FASN (fatty acid synthase; minus strand). Cytogenetic location: 17q25.3.
Variant type: single nucleotide variant.
Coding change: c.4675C>G on transcript NM_004104.5 (MANE Select); coding-DNA position 4675, C replaced by G.
Protein change: p.Pro1559Ala; replaces proline 1559 with alanine.
Molecular consequence: missense variant.
Genome position (GRCh38, 1-based): chr17:82,084,606, G>C on the plus strand (C>G on the coding strand, the complement: FASN is on the minus strand). VCF-style: chr17-82084606-G-C. GRCh37 (hg19) VCF-style: chr17-80042482-G-C.
Other names: short protein forms P1559A.
Identifiers: ClinVar variation 2719876 (VCV002719876.3), dbSNP rs1185398115, ClinGen allele CA401544993.

ClinVar aggregate classification (germline): Uncertain significance (1 of 4 stars; one submission).

Conditions:
Epileptic encephalopathy. Identifiers: MedGen C0543888, HP:0200134.

Submission:

Labcorp Genetics (formerly Invitae), Labcorp
Classification: Uncertain significance for Epileptic encephalopathy. Last evaluated: 2023-06-20. Review status: criteria provided, single submitter. Criteria: Invitae Variant Classification Sherloc (09022015). Collection method: clinical testing. Allele origin: germline.
Comment: This sequence change replaces proline, which is neutral and non-polar, with alanine, which is neutral and non-polar, at codon 1559 of the FASN protein (p.Pro1559Ala). This variant is not present in population databases (gnomAD no frequency). This variant has not been reported in the literature in individuals affected with FASN-related conditions. An algorithm developed to predict the effect of missense changes on protein structure and function (PolyPhen-2) suggests that this variant is likely to be tolerated. In summary, the available evidence is currently insufficient to determine the role of this variant in disease. Therefore, it has been classified as a Variant of Uncertain Significance.